The following is an entry in ClinVar:

ClinVar aggregate classification (germline): Uncertain significance. Review status: criteria provided, multiple submitters, no conflicts (2 of 4 stars). 2 submissions from 2 submitters: Uncertain significance (2). Last evaluated 2026-04-13.

Conditions:
TTN-related disorder. Also called: TTN-related disorders; TTN-related condition; TTN-related disease.

gnomAD v4.1: 20 of 1,612,642 alleles (0.0012%); highest among the groups gnomAD compares: Admixed American, 0.0033%; no homozygotes.

Submissions (2):

Women's Health and Genetics/Laboratory Corporation of America, LabCorp
Classification: Uncertain significance. Last evaluated: 2026-04-13. Review status: criteria provided, single submitter. Criteria: LabCorp Variant Classification Summary - May 2015. Collection method: clinical testing. Allele origin: germline.
Comment: Variant summary: TTN c.73913T>C (p.Ile24638Thr) results in a non-conservative amino acid change in the encoded protein sequence. Algorithms developed to predict the effect of missense changes on protein structure and function are either unavailable or do not agree on the potential impact of this missense change. The variant allele was found at a frequency of 1.2e-05 in 245800 control chromosomes. The available data on variant occurrences in the general population are insufficient to allow any conclusion about variant significance. c.73913T>C has been observed in an individual affected with cardioskeletal clinical features observed in TTN-related conditions who harbored a large deletion of TTN in trans; however three other similarly affected family members (father and two brothers) harbored the large TTN deletion, but did not carry this missense variant (Gohlke_2024). Therefore, this report does not provide unequivocal conclusions about association of the variant with TTN-related conditions. To our knowledge, no experimental evidence demonstrating an impact on protein function has been reported. The following publication has been ascertained in the context of this evaluation (PMID: 39277846). No submitters have cited clinical-significance assessments for this variant to ClinVar. Based on the evidence outlined above, the variant was classified as uncertain significance.

PreventionGenetics, part of Exact Sciences
Classification: Uncertain significance for TTN-related condition. Last evaluated: 2025-06-17. Review status: criteria provided, single submitter. Criteria: ACMG Guidelines, 2015. Collection method: clinical testing. Allele origin: germline.
Comment: The TTN c.81617T>C variant is predicted to result in the amino acid substitution p.Ile27206Thr. To our knowledge, this variant has not been reported in the literature. This variant is reported in 0.0057% of alleles in individuals of Latino descent in gnomAD. At this time, the clinical significance of this variant is uncertain due to the absence of conclusive functional and genetic evidence.

Literature cited by the submitters: PubMed 39277846 (cited by Women's Health and Genetics/Laboratory Corporation of America, LabCorp).

NM_001267550.2(TTN):c.81617T>C (p.Ile27206Thr)

Genes: TTN (titin; minus strand), TTN-AS1 (TTN antisense RNA 1; plus strand). Cytogenetic location: 2q31.2.
Variant type: single nucleotide variant.
Coding change: c.81617T>C on transcript NM_001267550.2 (MANE Select); coding-DNA position 81617, T replaced by C.
Protein change: p.Ile27206Thr; replaces isoleucine 27206 with threonine.
Molecular consequence: missense variant.
Genome position (GRCh38, 1-based): chr2:178,564,515, A>G on the plus strand (T>C on the coding strand, the complement: TTN is on the minus strand). VCF-style: chr2-178564515-A-G. GRCh37 (hg19) VCF-style: chr2-179429242-A-G.
Other names: c.76694T>C, p.Ile25565Thr (NM_001256850.1); c.54422T>C, p.Ile18141Thr (NM_003319.4); c.73913T>C, p.Ile24638Thr (NM_133378.4); c.54797T>C, p.Ile18266Thr (NM_133432.3); c.54998T>C, p.Ile18333Thr (NM_133437.4); short protein forms I18141T, I18266T, I18333T, I24638T, I25565T, I27206T.
Identifiers: ClinVar variation 4848671 (VCV004848671.2).